The following is an entry in ClinVar:

NM_006017.3(PROM1):c.1301+2T>C

Gene: PROM1 (prominin 1; minus strand). Cytogenetic location: 4p15.32.
Variant type: single nucleotide variant.
Coding change: c.1301+2T>C on transcript NM_006017.3 (MANE Select); the canonical splice donor site of the intron after coding-DNA position 1301, T replaced by C.
Molecular consequence: splice donor variant.
Genome position (GRCh38, 1-based): chr4:16,008,947, A>G on the plus strand (T>C on the coding strand, the complement: PROM1 is on the minus strand). VCF-style: chr4-16008947-A-G. GRCh37 (hg19) VCF-style: chr4-16010570-A-G.
Other names: c.1274+2T>C (NM_001145848.2, NM_001145852.2, NM_001145847.2 and 4 more transcripts); c.1301+2T>C (NM_001145850.2, NM_001145849.2).
Identifiers: ClinVar variation 623211 (VCV000623211.56), dbSNP rs775957498, ClinGen allele CA2866819.

ClinVar aggregate classification (germline): Pathogenic/Likely pathogenic. Review status: criteria provided, multiple submitters, no conflicts (2 of 4 stars). 10 submissions from 10 submitters: Pathogenic (8); Likely pathogenic (2). Last evaluated 2026-09-22.

Conditions:
Retinitis pigmentosa 41 (RP41). Also called: RETINAL DEGENERATION, AUTOSOMAL RECESSIVE, PROMININ-RELATED. Identifiers: Orphanet 791, MedGen C2677516, MONDO:0012796, OMIM 612095.
PROM1-related disorder. Also called: PROM1-related disorders; PROM1-related condition.
Retinal dystrophy. Also called: Inherited retinal dystrophy. Identifiers: Orphanet 71862, MedGen C0854723, MeSH D058499, MONDO:0019118, HP:0000556.
Cone-rod dystrophy. Also called: Cone/cone-rod dystrophy; Cone-rod degeneration. Identifiers: Orphanet 1872, MedGen C4085590, MONDO:0015993, HP:0000548.
Cone-rod dystrophy 12 (CORD12). Identifiers: Orphanet 1872, MedGen C2675210, MONDO:0012983, OMIM 612657.

Allele frequency attached by ClinVar (database versions not stated): TOPMed 0.00001; gnomAD exomes 0.00002 and 0.00003; gnomAD 0.00003 and 0.00004; ExAC 0.00004.
gnomAD v4.1: 29 of 1,579,156 alleles (0.0018%); highest among the groups gnomAD compares: Non-Finnish European, 0.0017%; no homozygotes.

Submissions (10):

PreventionGenetics, part of Exact Sciences
Classification: Pathogenic for PROM1-related condition. Last evaluated: 2026-09-22. Review status: criteria provided, single submitter. Criteria: ACMG Guidelines, 2015. Collection method: clinical testing. Allele origin: germline.
Comment: The PROM1 c.1301+2T>C variant is predicted to disrupt the GT donor site and interfere with normal splicing. This variant was reported, along with a second potentially causative variant, in individuals with cone-rode dystrophy or retinitis pigmentosa (supplementary data, Weisschuh et al. 2020. PubMed ID: 32531858; Reurink et al. 2023. PubMed ID: 36785559). This variant is reported in 0.012% of alleles in individuals of European (Finnish) descent in gnomAD. Variants that disrupt the consensus splice donor site in PROM1 are expected to be pathogenic. This variant is interpreted as pathogenic.

Labcorp Genetics (formerly Invitae), Labcorp
Classification: Pathogenic. Last evaluated: 2025-12-29. Review status: criteria provided, single submitter. Criteria: Invitae Variant Classification Sherloc (09022015). Collection method: clinical testing. Allele origin: germline.
Comment: This sequence change affects a donor splice site in intron 11 of the PROM1 gene. It is expected to disrupt RNA splicing. Variants that disrupt the donor or acceptor splice site typically lead to a loss of protein function (PMID: 16199547), and loss-of-function variants in PROM1 are known to be pathogenic (PMID: 17605048, 19718270, 24154662, 25474345). This variant is present in population databases (rs775957498, gnomAD 0.01%). Disruption of this splice site has been observed in individual(s) with autosomal recessive Stargardt disease and/or cone rod dystrophy (PMID: 31199449; internal data). ClinVar contains an entry for this variant (Variation ID: 623211). Algorithms developed to predict the effect of sequence changes on RNA splicing suggest that this variant may disrupt the consensus splice site. For these reasons, this variant has been classified as Pathogenic.

CeGaT Center for Human Genetics Tuebingen
Classification: Pathogenic. Last evaluated: 2024-01-01. Review status: criteria provided, single submitter. Criteria: CeGaT Center For Human Genetics Tuebingen Variant Classification Criteria Version 2. Collection method: clinical testing. Allele origin: germline. Affected: yes. Observed: 5 variant alleles.
Comment: PROM1: PVS1, PM3, PM2:Supporting

Blueprint Genetics
Classification: Pathogenic for PROM1-related disorders. Last evaluated: 2023-10-27. Review status: criteria provided, single submitter. Criteria: ACMG Guidelines, 2015. Collection method: clinical testing. Allele origin: germline. Affected: yes. Observed: 5 variant alleles.

Institute of Human Genetics, Univ. Regensburg, Univ. Regensburg
Classification: Pathogenic for Retinal dystrophy. Last evaluated: 2023-01-01. Review status: criteria provided, single submitter. Criteria: ACMG Guidelines, 2015. Collection method: clinical testing. Allele origin: germline. Affected: yes.

GeneDx
Classification: Likely pathogenic. Last evaluated: 2021-09-21. Review status: criteria provided, single submitter. Criteria: GeneDx Variant Classification Process June 2021. Collection method: clinical testing. Allele origin: germline. Affected: yes.
Comment: Canonical splice site variant predicted to result in a null allele in a gene for which loss-of-function is a known mechanism of disease; Has not been previously published as pathogenic or benign to our knowledge

Institute of Human Genetics, University of Leipzig Medical Center
Classification: Pathogenic for Cone-rod dystrophy 12. Last evaluated: 2021-07-28. Review status: criteria provided, single submitter. Criteria: ACMG Guidelines, 2015. Collection method: clinical testing. Allele origin: germline. Affected: yes.

DBGen Ocular Genomics
Classification: Pathogenic for Retinitis pigmentosa 41. Last evaluated: 2021-06-21. Review status: criteria provided, single submitter. Criteria: ACMG Guidelines, 2015. Collection method: clinical testing. Allele origin: germline. Affected: yes. Observed: 1 variant allele.

Molecular Genetics Laboratory, Institute for Ophthalmic Research
Classification: Pathogenic for Cone-rod dystrophy. Last evaluated: 2020-01-09. Review status: criteria provided, single submitter. Criteria: ACMG Guidelines, 2015. Collection method: research. Allele origin: germline. Affected: yes.

Molecular Diagnostics Laboratory, M Health Fairview: University of Minnesota
Classification: Likely pathogenic for Cone-rod dystrophy 12. Last evaluated: 2016-08-24. Review status: criteria provided, single submitter. Criteria: ACMG Guidelines, 2015. Collection method: clinical testing. Allele origin: germline. Affected: yes. Observed: 1 variant allele.

Literature cited by the submitters: PubMed 16199547 (cited by Labcorp Genetics (formerly Invitae), Labcorp); PubMed 17605048 (cited by Labcorp Genetics (formerly Invitae), Labcorp); PubMed 19718270 (cited by Labcorp Genetics (formerly Invitae), Labcorp); PubMed 24154662 (cited by Labcorp Genetics (formerly Invitae), Labcorp); PubMed 25474345 (cited by Labcorp Genetics (formerly Invitae), Labcorp); PubMed 31199449 (cited by Labcorp Genetics (formerly Invitae), Labcorp); PubMed 32531858 (cited by Institute of Human Genetics, Univ. Regensburg, Univ. Regensburg); PubMed 31964843 (cited by Institute of Human Genetics, Univ. Regensburg, Univ. Regensburg); PubMed 31816670 (cited by Institute of Human Genetics, Univ. Regensburg, Univ. Regensburg); PubMed 36785559 (cited by Institute of Human Genetics, Univ. Regensburg, Univ. Regensburg).